The following is an entry in ClinVar:

NM_032382.5(COG8):c.1799G>A (p.Arg600Gln)

Genes: COG8 (component of oligomeric golgi complex 8; minus strand), LOC130059304 (ATAC-STARR-seq lymphoblastoid silent region 7657; plus strand). Cytogenetic location: 16q22.1.
Variant type: single nucleotide variant.
Coding change: c.1799G>A on transcript NM_032382.5 (MANE Select); coding-DNA position 1799, G replaced by A.
Protein change: p.Arg600Gln; replaces arginine 600 with glutamine.
Molecular consequence: missense variant. On other transcripts: intron variant (3).
Genome position (GRCh38, 1-based): chr16:69,330,879, C>T on the plus strand (G>A on the coding strand, the complement: COG8 is on the minus strand). VCF-style: chr16-69330879-C-T. GRCh37 (hg19) VCF-style: chr16-69364782-C-T.
Other names: c.1940G>A, p.Arg647Gln (NM_001379261.1); c.1838G>A, p.Arg613Gln (NM_001379263.1); c.1799G>A, p.Arg600Gln (NM_001379264.1); c.1414-1700G>A (NM_001379266.1); c.1583-1700G>A (NM_001379265.1); c.1759+40G>A (NM_001379262.1); short protein forms R613Q, R647Q, R600Q.
Identifiers: ClinVar variation 1971767 (VCV001971767.5), dbSNP rs922279004, ClinGen allele CA283353140.
Genomic context (GRCh38, chr16:69,330,879, plus strand): 5'-CTGGAGGCAGGGGACGCCGGCTAGGGCCCCACGCTGGGCGGTTCGGCCTGCGTCTCCGCT[C>T]GCCCTCCCTCCGGGCAGGCTGGGCCCGCGGGCTCCAGGCGTGGCTCCTCGGCGGGAGGCT-3'
Protein context (NP_115758.3, residues 590-610): PAGPACPEGG[Arg600Gln]AETQAEPPSV

ClinVar aggregate classification (germline): Uncertain significance (1 of 4 stars; one submission).

Conditions:
COG8-congenital disorder of glycosylation. Also called: CDG IIh; COG8-CDG. Identifiers: Orphanet 95428, MedGen C1970021, MONDO:0012635, OMIM 611182.

Allele frequency attached by ClinVar (database versions not stated): gnomAD 0.00001; TOPMed 0.00002.
gnomAD v4.1: 9 of 1,546,688 alleles (0.00058%); highest among the groups gnomAD compares: African/African-American, 0.0082%; no homozygotes.

Submission:

Labcorp Genetics (formerly Invitae), Labcorp
Classification: Uncertain significance for COG8-congenital disorder of glycosylation. Last evaluated: 2024-10-16. Review status: criteria provided, single submitter. Criteria: Invitae Variant Classification Sherloc (09022015). Collection method: clinical testing. Allele origin: germline.
Comment: This sequence change replaces arginine, which is basic and polar, with glutamine, which is neutral and polar, at codon 600 of the COG8 protein (p.Arg600Gln). The frequency data for this variant in the population databases is considered unreliable, as metrics indicate poor data quality at this position in the gnomAD database. This variant has not been reported in the literature in individuals affected with COG8-related conditions. ClinVar contains an entry for this variant (Variation ID: 1971767). An algorithm developed to predict the effect of missense changes on protein structure and function outputs the following: PolyPhen-2: "Benign". The glutamine amino acid residue is found in multiple mammalian species, which suggests that this missense change does not adversely affect protein function. In summary, the available evidence is currently insufficient to determine the role of this variant in disease. Therefore, it has been classified as a Variant of Uncertain Significance.